The following is an entry in ClinVar:

NM_024642.5(GALNT12):c.358C>G (p.Arg120Gly)

Gene: GALNT12 (polypeptide N-acetylgalactosaminyltransferase 12; plus strand). Cytogenetic location: 9q22.33.
Variant type: single nucleotide variant.
Coding change: c.358C>G on transcript NM_024642.5 (MANE Select); coding-DNA position 358, C replaced by G.
Protein change: p.Arg120Gly; replaces arginine 120 with glycine.
Molecular consequence: missense variant.
Genome position (GRCh38, 1-based): chr9:98,808,056, C>G. VCF-style: chr9-98808056-C-G. GRCh37 (hg19) VCF-style: chr9-101570338-C-G.
Other names: short protein forms R120G.
Identifiers: ClinVar variation 2562225 (VCV002562225.2), dbSNP rs2118258563, ClinGen allele CA374223137.

ClinVar aggregate classification (germline): Uncertain significance (1 of 4 stars; one submission).

Submission:

Ambry Genetics
Classification: Uncertain significance. Last evaluated: 2023-03-20. Review status: criteria provided, single submitter. Criteria: Ambry Variant Classification Scheme 2023. Collection method: clinical testing. Allele origin: germline.
Comment: The p.R120G variant (also known as c.358C>G), located in coding exon 1 of the GALNT12 gene, results from a C to G substitution at nucleotide position 358. The arginine at codon 120 is replaced by glycine, an amino acid with dissimilar properties. This amino acid position is conserved. In addition, this alteration is predicted to be tolerated by in silico analysis. Since supporting evidence is limited at this time, the clinical significance of this alteration remains unclear.